The following is an entry in ClinVar:

NM_001252024.2(TRPM1):c.3614G>A (p.Arg1205Gln)

Genes: TRPM1 (transient receptor potential cation channel subfamily M member 1; minus strand), LOC126862088 (BRD4-independent group 4 enhancer GRCh37_chr15:31318084-31319283; plus strand). Cytogenetic location: 15q13.3.
Variant type: single nucleotide variant.
Coding change: c.3614G>A on transcript NM_001252024.2 (MANE Select); coding-DNA position 3614, G replaced by A.
Protein change: p.Arg1205Gln; replaces arginine 1205 with glutamine.
Molecular consequence: missense variant.
Genome position (GRCh38, 1-based): chr15:31,026,154, C>T on the plus strand (G>A on the coding strand, the complement: TRPM1 is on the minus strand). VCF-style: chr15-31026154-C-T. GRCh37 (hg19) VCF-style: chr15-31318357-C-T.
Other names: c.3665G>A, p.Arg1222Gln (NM_001252020.2); c.3548G>A, p.Arg1183Gln (NM_002420.6); short protein forms R1222Q, R1205Q, R1183Q.
Identifiers: ClinVar variation 1420924 (VCV001420924.8), dbSNP rs2140898706, ClinGen allele CA391539886.

ClinVar aggregate classification (germline): Uncertain significance (1 of 4 stars; one submission).

Allele frequency attached by ClinVar (database versions not stated): gnomAD exomes below 0.00001.
gnomAD v4.1: 3 of 1,611,840 alleles (0.00019%); highest among the groups gnomAD compares: East Asian, 0.0022%; no homozygotes.

Submission:

Labcorp Genetics (formerly Invitae), Labcorp
Classification: Uncertain significance. Last evaluated: 2025-11-03. Review status: criteria provided, single submitter. Criteria: Invitae Variant Classification Sherloc (09022015). Collection method: clinical testing. Allele origin: germline.
Comment: This sequence change replaces arginine, which is basic and polar, with glutamine, which is neutral and polar, at codon 1183 of the TRPM1 protein (p.Arg1183Gln). This variant is not present in population databases (gnomAD no frequency). This variant has not been reported in the literature in individuals affected with TRPM1-related conditions. ClinVar contains an entry for this variant (Variation ID: 1420924). Invitae Evidence Modeling of protein sequence and biophysical properties (such as structural, functional, and spatial information, amino acid conservation, physicochemical variation, residue mobility, and thermodynamic stability) indicates that this missense variant is not expected to disrupt TRPM1 protein function with a negative predictive value of 95%. In summary, the available evidence is currently insufficient to determine the role of this variant in disease. Therefore, it has been classified as a Variant of Uncertain Significance.